The following is an entry in ClinVar:

ClinVar aggregate classification (germline): Benign/Likely benign. Review status: criteria provided, multiple submitters, no conflicts (2 of 4 stars). 9 submissions from 9 submitters: Benign (5); Likely benign (4). Last evaluated 2026-06-15.

Conditions:
Brittle cornea syndrome 1 (BCS1). Also called: Corneal fragility keratoglobus, blue sclerae AND joint hypermobility; DYSGENESIS MESODERMALIS CORNEAE ET SCLERAE; CORNEAL FRAGILITY, KERATOGLOBUS, BLUE SCLERAE, JOINT HYPEREXTENSIBILITY; EDS6B; FRAGILITAS OCULI WITH JOINT HYPEREXTENSIBILITY. Identifiers: Orphanet 90354, MedGen C0268344, MONDO:0024543, OMIM 229200.
Cardiovascular phenotype. Identifiers: MedGen CN230736.
Ehlers-Danlos syndrome (EDS). Identifiers: Orphanet 98249, MedGen C0013720, MONDO:0020066.

Allele frequency attached by ClinVar (database versions not stated): 1000 Genomes Project 0.00020; 1000 Genomes Project 30x 0.00094; gnomAD 0.00103 and 0.00116; TOPMed 0.00103; gnomAD exomes 0.00174; ESP Exome Variant Server 0.00175; ExAC 0.00330.
gnomAD v4.1: 3,295 of 1,548,574 alleles (0.21%); highest among the groups gnomAD compares: South Asian, 0.51%; 6 homozygotes.

Submissions (9):

Women's Health and Genetics/Laboratory Corporation of America, LabCorp
Classification: Likely benign. Last evaluated: 2026-06-15. Review status: criteria provided, single submitter. Criteria: LabCorp Variant Classification Summary - May 2015. Collection method: clinical testing. Allele origin: germline.

Labcorp Genetics (formerly Invitae), Labcorp
Classification: Benign. Last evaluated: 2026-01-28. Review status: criteria provided, single submitter. Criteria: Invitae Variant Classification Sherloc (09022015). Collection method: clinical testing. Allele origin: germline.

CeGaT Center for Human Genetics Tuebingen
Classification: Likely benign. Last evaluated: 2025-12-01. Review status: criteria provided, single submitter. Criteria: CeGaT Center For Human Genetics Tuebingen Variant Classification Criteria Version 2. Collection method: clinical testing. Allele origin: germline. Affected: yes. Observed: 7 variant alleles.
Comment: ZNF469: BP4, BP7

Blueprint Genetics
Classification: Likely benign. Last evaluated: 2024-11-19. Review status: criteria provided, single submitter. Criteria: ACMG Guidelines, 2015. Collection method: clinical testing. Allele origin: germline.

Mayo Clinic Laboratories, Mayo Clinic
Classification: Benign. Last evaluated: 2023-01-26. Review status: criteria provided, single submitter. Criteria: ACMG Guidelines, 2015. Collection method: clinical testing. Allele origin: germline. Observed: 14 variant alleles.
Comment: BS1, BS2, BP4, BP7

Genome-Nilou Lab
Classification: Benign for Brittle cornea syndrome 1. Last evaluated: 2021-12-05. Review status: criteria provided, single submitter. Criteria: ACMG Guidelines, 2015. Collection method: clinical testing. Allele origin: germline. Affected: no.

Genome Diagnostics Laboratory, The Hospital for Sick Children
Classification: Likely benign for Ehlers-Danlos syndrome. Last evaluated: 2020-12-18. Review status: criteria provided, single submitter. Criteria: ACMG Guidelines, 2015. Collection method: clinical testing. Allele origin: germline.

GeneDx
Classification: Benign. Last evaluated: 2019-07-19. Review status: criteria provided, single submitter. Criteria: GeneDx Variant Classification Process June 2021. Collection method: clinical testing. Allele origin: germline. Affected: yes.

Ambry Genetics
Classification: Benign for Cardiovascular phenotype. Last evaluated: 2019-05-01. Review status: criteria provided, single submitter. Criteria: Ambry Variant Classification Scheme 2023. Collection method: clinical testing. Allele origin: germline.

NM_001367624.2(ZNF469):c.10518G>A (p.Pro3506=)

Gene: ZNF469 (zinc finger protein 469; plus strand). Cytogenetic location: 16q24.2.
Variant type: single nucleotide variant.
Coding change: c.10518G>A on transcript NM_001367624.2 (MANE Select); coding-DNA position 10518, G replaced by A.
Protein change: p.Pro3506=; no amino-acid change (proline 3506 retained).
Molecular consequence: synonymous variant.
Genome position (GRCh38, 1-based): chr16:88,437,988, G>A. VCF-style: chr16-88437988-G-A. GRCh37 (hg19) VCF-style: chr16-88504396-G-A.
Other names: NM_001127464.1:c.10434G>A; NM_001127464.2:c.10434G>A; p.Pro3506=.
Identifiers: ClinVar variation 386377 (VCV000386377.58), dbSNP rs376379111, ClinGen allele CA8225522.
Genomic context (GRCh38, chr16:88,437,988, plus strand): 5'-CGGCGAGGACAGGCCTCCTCCCCGGGGAAGCAGCCCCATCCTGAGTGAGGGCTCTCTCCC[G>A]GCCCTGCTCCACCTGTGTTCGGAGGTGGCTCCCAGCACCACCAAGGGATGGCCCGAGACC-3'
Protein context (NP_001354553.1, residues 3496-3516): SSPILSEGSL[Pro3506=]ALLHLCSEVA